The following is an entry in ClinVar:

ClinVar aggregate classification (germline): Pathogenic (1 of 4 stars; one submission).

Conditions:
ALG1-congenital disorder of glycosylation. Also called: CDG Ik; CONGENITAL DISORDER OF GLYCOSYLATION, TYPE Ik; ALG1-CDG. Identifiers: Orphanet 79327, MedGen C2931005, MONDO:0012052, OMIM 608540.

Submission:

Labcorp Genetics (formerly Invitae), Labcorp
Classification: Pathogenic for ALG1-congenital disorder of glycosylation. Last evaluated: 2022-04-15. Review status: criteria provided, single submitter. Criteria: Invitae Variant Classification Sherloc (09022015). Collection method: clinical testing. Allele origin: germline.
Comment: For these reasons, this variant has been classified as Pathogenic. Variants that disrupt the consensus splice site are a relatively common cause of aberrant splicing (PMID: 17576681, 9536098). Studies have shown that disruption of this splice site results in skipping of exon 6, but is expected to preserve the integrity of the reading-frame (PMID: 20679665). This variant is also known as c.740G>A/c.740+5G>A and p.Ala211_Arg247del. Disruption of this splice site has been observed in individual(s) with ALG1-congenital disorder of glycosylation (PMID: 20679665). In at least one individual the data is consistent with being in trans (on the opposite chromosome) from a pathogenic variant. Information on the frequency of this variant in the gnomAD database is not available, as this variant may be reported differently in the database. This sequence change affects a splice site in intron 6 of the ALG1 gene. RNA analysis indicates that disruption of this splice site induces altered splicing and likely results in a shortened protein product.

Literature cited by the submitters: PubMed 17576681; PubMed 9536098; PubMed 20679665.

NM_019109.5(ALG1):c.740_740+5delinsTGTAGA

Gene: ALG1 (ALG1 chitobiosyldiphosphodolichol beta-mannosyltransferase; plus strand). Cytogenetic location: 16p13.3.
Variant type: Indel.
Coding change: c.740_740+5delinsTGTAGA on transcript NM_019109.5 (MANE Select); coding-DNA position 740 through 5 bases into the intron after coding-DNA position 740, GGTAGG replaced by TGTAGA.
Molecular consequence: splice donor variant.
Genome position (GRCh38, 1-based): chr16:5,078,017-5,078,022, GGTAGG replaced by TGTAGA. VCF-style: chr16-5078017-GGTAGG-TGTAGA. GRCh37 (hg19) VCF-style: chr16-5128018-GGTAGG-TGTAGA.
Other names: c.407_407+5delinsTGTAGA (NM_001330504.2).
Identifiers: ClinVar variation 2183419 (VCV002183419.4), dbSNP rs2505860309, ClinGen allele CA2580091195.